The following is an entry in ClinVar:

NM_001365536.1(SCN9A):c.5588T>C (p.Met1863Thr)

Genes: SCN1A-AS1 (SCN1A and SCN9A antisense RNA 1; plus strand), SCN9A (sodium voltage-gated channel alpha subunit 9; minus strand). Cytogenetic location: 2q24.3.
Variant type: single nucleotide variant.
Coding change: c.5588T>C on transcript NM_001365536.1 (MANE Select); coding-DNA position 5588, T replaced by C.
Protein change: p.Met1863Thr; replaces methionine 1863 with threonine.
Molecular consequence: missense variant.
Genome position (GRCh38, 1-based): chr2:166,199,051, A>G on the plus strand (T>C on the coding strand, the complement: SCN9A is on the minus strand). VCF-style: chr2-166199051-A-G. GRCh37 (hg19) VCF-style: chr2-167055561-A-G.
Other names: c.5555T>C, p.Met1852Thr (NM_002977.4); short protein forms M1852T, M1863T.
Identifiers: ClinVar variation 931454 (VCV000931454.15), dbSNP rs201561928, ClinGen allele CA1943651.
Genomic context (GRCh38, chr2:166,199,051, plus strand): 5'-GTGGTTGTGATGGGTTCATAGGACACTTTGGAAGGATTTGCAGACATGAACCTTTCTTCC[A>G]TCTGTGAACGAAGAGAATCCATCTCCCCACTCTCACCCAAAACACGCTTTGTAAAAGCAA-3'
Protein context (NP_001352465.1, residues 1853-1873): SGEMDSLRSQ[Met1863Thr]EERFMSANPS

ClinVar aggregate classification (germline): Uncertain significance. Review status: criteria provided, multiple submitters, no conflicts (2 of 4 stars). 5 submissions from 5 submitters: Uncertain significance (5). Last evaluated 2024-09-03.

Conditions:
Primary erythromelalgia. Also called: SCN9A Erythromelalgia (SCN9A-EM); primary erythermalgia. Identifiers: Orphanet 306577, Orphanet 90026, MedGen C0014805, MONDO:0007571, OMIM 133020.
Neuropathy, hereditary sensory and autonomic, type 2A (HSAN2A). Also called: ACROOSTEOLYSIS, GIACCAI TYPE; ACROOSTEOLYSIS, NEUROGENIC; WNK1-Related HSAN2 (HSAN2A); MORVAN DISEASE; NEUROPATHY, CONGENITAL SENSORY; NEUROPATHY, HEREDITARY SENSORY RADICULAR, AUTOSOMAL RECESSIVE. Identifiers: Orphanet 970, MedGen C2752089, MONDO:0024309, OMIM 201300.
Paroxysmal extreme pain disorder (PEXPD). Also called: SCN9A Paroxysmal Extreme Pain Disorder (SCN9A-PEPD); PAIN, SUBMANDIBULAR, OCULAR, AND RECTAL, WITH FLUSHING; RECTAL PAIN, FAMILIAL. Identifiers: Orphanet 46348, MedGen C1833661, MONDO:0008179, OMIM 167400.
Channelopathy-associated congenital insensitivity to pain, autosomal recessive. Also called: ASYMBOLIA FOR PAIN; CONGENITAL ANALGESIA, AUTOSOMAL RECESSIVE; Insensitivity to pain, channelopathy-associated. Identifiers: Orphanet 88642, Orphanet 970, MedGen C1855739, MONDO:0009459, OMIM 243000.
Generalized epilepsy with febrile seizures plus, type 7 (GEFSP7). Also called: GEFS+, TYPE 7. Identifiers: Orphanet 36387, MedGen C2751778, MONDO:0013470, OMIM 613863.

Allele frequency attached by ClinVar (database versions not stated): TOPMed 0.00001.

Submissions (5):

Labcorp Genetics (formerly Invitae), Labcorp
Classification: Uncertain significance for Neuropathy, hereditary sensory and autonomic, type 2A; Generalized epilepsy with febrile seizures plus, type 7. Last evaluated: 2024-09-03. Review status: criteria provided, single submitter. Criteria: Invitae Variant Classification Sherloc (09022015). Collection method: clinical testing. Allele origin: germline.
Comment: This sequence change replaces methionine, which is neutral and non-polar, with threonine, which is neutral and polar, at codon 1852 of the SCN9A protein (p.Met1852Thr). This variant is present in population databases (rs201561928, gnomAD 0.005%). This missense change has been observed in individual(s) with painful diabetic neuropathy (PMID: 29176367). ClinVar contains an entry for this variant (Variation ID: 931454). Invitae Evidence Modeling of protein sequence and biophysical properties (such as structural, functional, and spatial information, amino acid conservation, physicochemical variation, residue mobility, and thermodynamic stability) indicates that this missense variant is not expected to disrupt SCN9A protein function with a negative predictive value of 80%. Experimental studies have shown that this missense change affects SCN9A function (PMID: 29176367). In summary, the available evidence is currently insufficient to determine the role of this variant in disease. Therefore, it has been classified as a Variant of Uncertain Significance.

Women's Health and Genetics/Laboratory Corporation of America, LabCorp
Classification: Uncertain significance. Last evaluated: 2024-08-02. Review status: criteria provided, single submitter. Criteria: LabCorp Variant Classification Summary - May 2015. Collection method: clinical testing. Allele origin: germline.
Comment: Variant summary: SCN9A c.5555T>C (p.Met1852Thr) results in a non-conservative amino acid change in the encoded protein sequence. Five of five in-silico tools predict a damaging effect of the variant on protein function. The variant allele was found at a frequency of 8e-06 in 251482 control chromosomes (gnomAD). The available data on variant occurrences in the general population are insufficient to allow any conclusion about variant significance. c.5555T>C has been reported in the literature in an individual affected with diabetic peripheral neuropathy (Blesneac_2018). These data do not allow any conclusion about variant significance. This publication also reports experimental evidence evaluating an impact on protein function, suggesting the variant results in a gain of function. The following publication has been ascertained in the context of this evaluation (PMID: 29176367). ClinVar contains an entry for this variant (Variation ID: 931454). Based on the evidence outlined above, the variant was classified as uncertain significance.

Department of Pathology and Laboratory Medicine, Sinai Health System
Classification: Uncertain significance for Primary erythromelalgia; Paroxysmal extreme pain disorder; Neuropathy, hereditary sensory and autonomic, type 2A; Channelopathy-associated congenital insensitivity to pain, autosomal recessive. Last evaluated: 2023-02-23. Review status: criteria provided, single submitter. Criteria: ACMG Guidelines, 2015. Collection method: research. Allele origin: germline.

GeneDx
Classification: Uncertain significance. Last evaluated: 2022-08-12. Review status: criteria provided, single submitter. Criteria: GeneDx Variant Classification Process June 2021. Collection method: clinical testing. Allele origin: germline. Affected: yes.
Comment: Identified in a patient with diabetic peripheral neuropathy in the published literature (Blesneac et al., 2018); Published functional studies demonstrate that this variant results in a gain of function (Blesneac et al., 2018); In silico analysis supports that this missense variant has a deleterious effect on protein structure/function; This variant is associated with the following publications: (PMID: 29176367, 30672368)

Centre for Mendelian Genomics, University Medical Centre Ljubljana
Classification: Uncertain significance for Neuropathy, hereditary sensory and autonomic, type 2A. Last evaluated: 2016-01-01. Review status: criteria provided, single submitter. Criteria: ACMG Guidelines, 2015. Collection method: clinical testing. Allele origin: unknown. Affected: yes.
Comment: This variant was classified as: Uncertain significance. The following ACMG criteria were applied in classifying this variant: PP3,PP4.

Literature cited by the submitters: PubMed 29176367 (cited by Labcorp Genetics (formerly Invitae), Labcorp and Women's Health and Genetics/Laboratory Corporation of America, LabCorp).